The following is an entry in ClinVar:

NM_006939.4(SOS2):c.2762A>G (p.Asn921Ser)

Gene: SOS2 (SOS Ras/Rho guanine nucleotide exchange factor 2; minus strand). Cytogenetic location: 14q21.3.
Variant type: single nucleotide variant.
Coding change: c.2762A>G on transcript NM_006939.4 (MANE Select); coding-DNA position 2762, A replaced by G.
Protein change: p.Asn921Ser; replaces asparagine 921 with serine.
Molecular consequence: missense variant.
Genome position (GRCh38, 1-based): chr14:50,139,965, T>C on the plus strand (A>G on the coding strand, the complement: SOS2 is on the minus strand). VCF-style: chr14-50139965-T-C. GRCh37 (hg19) VCF-style: chr14-50606683-T-C.
Other names: c.2663A>G, p.Asn888Ser (NM_001411020.1); short protein forms N921S, N888S.
Identifiers: ClinVar variation 1795704 (VCV001795704.9), dbSNP rs753057838, ClinGen allele CA7176957.

ClinVar aggregate classification (germline): Uncertain significance. Review status: criteria provided, multiple submitters, no conflicts (2 of 4 stars). 3 submissions from 3 submitters: Uncertain significance (3). Last evaluated 2024-10-29.

Conditions:
Noonan syndrome 9 (NS9). Identifiers: Orphanet 648, MedGen C4225282, MONDO:0014691, OMIM 616559.
Cardiovascular phenotype. Identifiers: MedGen CN230736.

Allele frequency attached by ClinVar (database versions not stated): TOPMed below 0.00001; gnomAD 0.00001; gnomAD exomes 0.00001; ExAC 0.00003.
gnomAD v4.1: 17 of 1,581,510 alleles (0.0011%); highest among the groups gnomAD compares: Admixed American, 0.01%; no homozygotes.

Submissions (3):

Labcorp Genetics (formerly Invitae), Labcorp
Classification: Uncertain significance for Noonan syndrome 9. Last evaluated: 2024-10-29. Review status: criteria provided, single submitter. Criteria: Invitae Variant Classification Sherloc (09022015). Collection method: clinical testing. Allele origin: germline.
Comment: This sequence change replaces asparagine, which is neutral and polar, with serine, which is neutral and polar, at codon 921 of the SOS2 protein (p.Asn921Ser). This variant is present in population databases (rs753057838, gnomAD 0.02%). This variant has not been reported in the literature in individuals affected with SOS2-related conditions. ClinVar contains an entry for this variant (Variation ID: 1795704). Invitae Evidence Modeling of protein sequence and biophysical properties (such as structural, functional, and spatial information, amino acid conservation, physicochemical variation, residue mobility, and thermodynamic stability) has been performed for this missense variant. However, the output from this modeling did not meet the statistical confidence thresholds required to predict the impact of this variant on SOS2 protein function. In summary, the available evidence is currently insufficient to determine the role of this variant in disease. Therefore, it has been classified as a Variant of Uncertain Significance.

Centre of Medical Genetics, University Hospital Muenster
Classification: Uncertain significance. Last evaluated: 2023-01-20. Review status: criteria provided, single submitter. Criteria: ACMG Guidelines, 2015. Collection method: clinical testing. Allele origin: unknown. Affected: yes. Observed: 1 variant allele, 1 heterozygote.
Comment: ACMG categories: PM2

Ambry Genetics
Classification: Uncertain significance for Cardiovascular phenotype. Last evaluated: 2022-04-03. Review status: criteria provided, single submitter. Criteria: Ambry Variant Classification Scheme 2023. Collection method: clinical testing. Allele origin: germline.
Comment: The p.N921S variant (also known as c.2762A>G), located in coding exon 17 of the SOS2 gene, results from an A to G substitution at nucleotide position 2762. The asparagine at codon 921 is replaced by serine, an amino acid with highly similar properties. This amino acid position is conserved. In addition, this alteration is predicted to be tolerated by in silico analysis. Since supporting evidence is limited at this time, the clinical significance of this alteration remains unclear.